The following is an entry in ClinVar:

ClinVar aggregate classification (germline): Pathogenic. Review status: criteria provided, multiple submitters, no conflicts (2 of 4 stars). 28 submissions from 26 submitters: Pathogenic (21). 7 of the submissions do not count toward it. Last evaluated 2026-02-01.

Conditions:
MEFV-related disorder. Also called: MEFV-related disorders; MEFV-related condition.
Autoinflammatory syndrome. Identifiers: Orphanet 93665, MedGen C3890737, MONDO:0019751.
Familial Mediterranean fever (FMF). Also called: Periodic peritonitis; Benign paroxysmal peritonitis; POLYSEROSITIS, FAMILIAL PAROXYSMAL; POLYSEROSITIS, RECURRENT. Identifiers: Orphanet 342, MedGen C0031069, MONDO:0018088, OMIM 249100. Disease mechanism: gain of function.
Familial Mediterranean fever, autosomal dominant. Also called: FMF, AUTOSOMAL DOMINANT; Dominant Familial Mediterranean Fever. Identifiers: Orphanet 342, MedGen C1851347, MONDO:0007601, OMIM 134610.
Acute febrile neutrophilic dermatosis (AFND). Also called: Sweet Syndrome; Gomm Button disease. Identifiers: Orphanet 3243, MedGen C0085077, MONDO:0011959, OMIM 608068.

Allele frequency attached by ClinVar (database versions not stated): TOPMed 0.00002.
gnomAD v4.1: 19 of 1,614,016 alleles (0.0012%); highest among the groups gnomAD compares: Middle Eastern, 0.099%; no homozygotes.

Submissions 1 to 13 of 28:

Labcorp Genetics (formerly Invitae), Labcorp
Classification: Pathogenic for Familial Mediterranean fever. Last evaluated: 2026-02-01. Review status: criteria provided, single submitter. Criteria: Invitae Variant Classification Sherloc (09022015). Collection method: clinical testing. Allele origin: germline.
Comment: This sequence change replaces methionine, which is neutral and non-polar, with isoleucine, which is neutral and non-polar, at codon 680 of the MEFV protein (p.Met680Ile). This variant is not present in population databases (gnomAD no frequency). This missense change has been observed in individual(s) with familial Mediterranean fever (PMID: 9288758, 10090880, 11977178, 21623663, 23907647, 23973724, 29080837). ClinVar contains an entry for this variant (Variation ID: 2550). An algorithm developed to predict the effect of missense changes on protein structure and function outputs the following: PolyPhen-2: "Benign". The isoleucine amino acid residue is found in multiple mammalian species, which suggests that this missense change does not adversely affect protein function. Experimental studies have shown that this missense change affects MEFV function (PMID: 21600797). For these reasons, this variant has been classified as Pathogenic.

3billion
Classification: Pathogenic for Familial Mediterranean fever. Last evaluated: 2026-01-26. Review status: criteria provided, single submitter. Criteria: ACMG Guidelines, 2015. Collection method: clinical testing. Allele origin: germline. Affected: yes.
Comment: The variant is observed at an extremely low frequency in the gnomAD v4.1.0 dataset (total allele frequency: 0.001%). Predicted Consequence/Location: Missense variant Functional studies provide strong evidence of the variant having a damaging effect on the gene or gene product (PMID: 21600797). The same nucleotide change resulting in the same amino acid change has been previously reported as pathogenic/likely pathogenic with strong evidence (ClinVar ID: VCV000002550 /PMID: 10090880 /3billion dataset). Different missense changes at the same codon (p.Met680Leu, p.Met680Val) have been reported to be associated with MEFV-related disorder (PMID: 10842288, 28302131). Therefore, this variant is classified as Pathogenic according to the recommendation of ACMG/AMP guideline.

CeGaT Center for Human Genetics Tuebingen
Classification: Pathogenic. Last evaluated: 2026-01-01. Review status: criteria provided, single submitter. Criteria: CeGaT Center For Human Genetics Tuebingen Variant Classification Criteria Version 2. Collection method: clinical testing. Allele origin: germline. Affected: yes. Observed: 8 variant alleles.
Comment: MEFV: PM3:Very Strong, PS1, PM1, PM5, PM2:Supporting, PS3:Supporting, BP4

Mayo Clinic Laboratories, Mayo Clinic
Classification: Pathogenic. Last evaluated: 2025-04-28. Review status: criteria provided, single submitter. Criteria: ACMG Guidelines, 2015. Collection method: clinical testing. Allele origin: germline. Observed: 2 variant alleles.
Comment: PM1, PM2_supporting, PM3_very_strong, PS1, PS3_supporting, PS4

Natera, Inc.
Classification: Pathogenic for Familial Mediterranean fever. Last evaluated: 2024-08-13. Review status: criteria provided, single submitter. Criteria: Natera Variant Classification Schema (03/2026). Collection method: clinical testing. Allele origin: germline.
Comment: The c.2040G>A variant in MEFV is a missense variant predicted to cause substitution of methionine to isoleucine at amino acid 680. This variant is rare in the general population with a frequency below the threshold expected for the associated phenotype(s). This variant has been observed in one or more individuals affected with the associated recessive disease, as either homozygous or compound heterozygous with a second variant (PMID: 32608308). Another variant at this same site results in an alteration predicted to cause a similar molecular effect has been observed in individual(s) with the associated phenotype. Given the available evidence, this variant is classified as Pathogenic.

Fulgent Genetics
Classification: Pathogenic for Familial Mediterranean fever, autosomal dominant; Familial Mediterranean fever; Acute febrile neutrophilic dermatosis. Last evaluated: 2024-05-01. Review status: criteria provided, single submitter. Criteria: ACMG Guidelines, 2015. Collection method: clinical testing. Allele origin: germline.

Baylor Genetics
Classification: Pathogenic for Familial Mediterranean fever, autosomal dominant. Last evaluated: 2024-03-28. Review status: criteria provided, single submitter. Criteria: ACMG Guidelines, 2015. Collection method: clinical testing. Allele origin: unknown.

Clinical Genetics Laboratory, Skane University Hospital Lund
Classification: Pathogenic. Last evaluated: 2024-02-19. Review status: criteria provided, single submitter. Criteria: ACMG Guidelines, 2015. Collection method: clinical testing. Allele origin: germline. Affected: yes.

Blueprint Genetics
Classification: Pathogenic for MEFV-related disorders. Last evaluated: 2023-12-21. Review status: criteria provided, single submitter. Criteria: ACMG Guidelines, 2015. Collection method: clinical testing. Allele origin: germline. Affected: yes. Observed: 5 variant alleles.

Breakthrough Genomics
Classification: Pathogenic for Familial Mediterranean fever, autosomal dominant. Last evaluated: 2023-08-04. Review status: criteria provided, single submitter. Criteria: ACMG Guidelines, 2015. Collection method: clinical testing. Allele origin: germline. Affected: yes.
Comment: This variant has been observed in individuals with familial Mediterranean fever in heterozygous/compound heterozygous/homozygous state [PMID: 9288758, 10090880, 11977178, 21623663, 23907647, 23973724, 29080837]. Functional studies demonstrate that the variant results in decreased binding of caspase-1 compared to wild-type [PMID: 16785446].

ARUP Laboratories, Molecular Genetics and Genomics, ARUP Laboratories
Classification: Pathogenic. Last evaluated: 2023-05-08. Review status: criteria provided, single submitter. Criteria: ARUP Molecular Germline Variant Investigation Process 2024. Collection method: clinical testing. Allele origin: germline.
Comment: The MEFV c.2040G>A; p.Met680Ile variant (rs28940580) is reported in the literature in families affected with familial Mediterranean fever (FMF) (Moradian 2014, Procopio 2018), and segregates with disease when in-trans with another pathogenic variant (Aksentijevich 1999). This variant is also reported in ClinVar (Variation ID: 2550). It is absent from the Genome Aggregation Database, indicating it is not a common polymorphism. Additionally, another variant at this codon resulting in the same amino acid alteration (c.2040G>C; p.Met680Ile) is a common pathogenic variant in FMF (Moradian 2014, Procopio 2018). Based on available information, this variant is considered to be pathogenic. References: Aksentijevich I et al. Mutation and haplotype studies of familial Mediterranean fever reveal new ancestral relationships and evidence for a high carrier frequency with reduced penetrance in the Ashkenazi Jewish population. Am J Hum Genet. 1999; 64(4):949-62. PMID: 10090880. Moradian MM et al. Patient management and the association of less common familial Mediterranean fever symptoms with other disorders. Genet Med. 2014 Mar;16(3):258-63. PMID: 23907647. Procopio V et al. Genotype-phenotype correlation in FMF patients: A "non classic" recessive autosomal or "atypical" dominant autosomal inheritance? Gene. 2018 Jan 30;641:279-286. PMID: 29080837.

Mendelics
Classification: Pathogenic for Familial Mediterranean fever. Last evaluated: 2023-03-30. Review status: criteria provided, single submitter. Criteria: Mendelics Assertion Criteria 2017. Collection method: clinical testing. Allele origin: unknown.

Laboratory for Molecular Medicine, Mass General Brigham Personalized Medicine
Classification: Pathogenic for Familial Mediterranean fever. Last evaluated: 2023-02-02. Review status: criteria provided, single submitter. Criteria: ACMG Guidelines, 2015. Collection method: clinical testing. Allele origin: germline.
Comment: The c.2040G>A (p.Met680Ile) variant in MEFV has been reported, in the homozygous and compound heterozygous state, in numerous individuals with familial Mediterranean fever (FMF) (selected publications Aksentijevich 1999 PMID: 10090880, Sahin 2008 PMID: 18307385, Sabbagh 2008 PMID: 17566872, Jarjour 2010 PMID: 19253030, Akin 2010 PMID: 19449169). It has been reported in ClinVar (Variation ID 2550) and was identified in 2/68036 European chromosomes by gnomAD. Another variant at the same nucleotide position (c.2040G>C) resulting in the same amino acid change is a well-established pathogenic variant (Variation ID 36507). The p.Met680Ile aminoacid change (with cDNA change not specified) has also been reported in numerous additional individuals with FMF. In vitro functional studies support an impact to the protein function as this variant results in decreased binding of caspase-1 compared to wild-type (Chae 2006 PMID: 16785446). In summary, this variant meets criteria to be classified as pathogenic for autosomal recessive familial Mediterranean fever. ACMG/AMP Criteria applied: PM3_VeryStrong, PM2_Supporting, PS1, PS3_Supporting.

NM_000243.3(MEFV):c.2040G>A (p.Met680Ile)

Genes: MEFV (MEFV innate immunity regulator, pyrin; minus strand), LOC126862264 (CDK7 strongly-dependent group 2 enhancer GRCh37_chr16:3293322-3294521; plus strand). Cytogenetic location: 16p13.3.
Variant type: single nucleotide variant.
Coding change: c.2040G>A on transcript NM_000243.3 (MANE Select); coding-DNA position 2040, G replaced by A.
Protein change: p.Met680Ile; replaces methionine 680 with isoleucine.
Molecular consequence: missense variant. On other transcripts: 3 prime UTR variant (1).
Genome position (GRCh38, 1-based): chr16:3,243,447, C>T on the plus strand (G>A on the coding strand, the complement: MEFV is on the minus strand). VCF-style: chr16-3243447-C-T. GRCh37 (hg19) VCF-style: chr16-3293447-C-T.
Other names: MEFV, MET680ILE, 2040G-A; M680I; c.*244G>A (NM_001198536.2).
Identifiers: ClinVar variation 2550 (VCV000002550.110), dbSNP rs28940580, ClinGen allele CA280112.